The following is an entry in ClinVar:

ClinVar aggregate classification (germline): Conflicting classifications of pathogenicity. Review status: criteria provided, conflicting classifications (1 of 4 stars). 15 submissions from 14 submitters: Uncertain significance (3); Likely benign (9). 3 of the submissions do not count toward it. Last evaluated 2026-06-01.

Conditions:
Polymicrogyria with or without vascular-type Ehlers-Danlos syndrome. Identifiers: Orphanet 636941, MedGen C5193040, MONDO:0032688, OMIM 618343.
Ehlers-Danlos syndrome, type 4 (EDSVASC). Also called: Ehlers-Danlos syndrome vascular type; Ehlers Danlos syndrome, ecchymotic type; Ehlers Danlos syndrome, arterial type; Ehlers Danlos syndrome, Sack-Barabas type; Ehlers-Danlos Syndrome Type IV. Identifiers: Orphanet 286, MedGen C0268338, MONDO:0017314, OMIM 130050.
COL3A1-related disorder. Also called: COL3A1-related condition.
Familial thoracic aortic aneurysm and aortic dissection (TAAD). Also called: Thoracic aortic aneurysms and dissections. Identifiers: Orphanet 91387, MedGen C4707243, MONDO:0019625.

Allele frequency attached by ClinVar (database versions not stated): TOPMed 0.00006; gnomAD 0.00005.
gnomAD v4.1: 144 of 1,614,042 alleles (0.0089%); highest among the groups gnomAD compares: Middle Eastern, 0.15%; no homozygotes.

Submissions (17):

CeGaT Center for Human Genetics Tuebingen
Classification: Likely benign. Last evaluated: 2026-06-01. Review status: criteria provided, single submitter. Criteria: CeGaT Center For Human Genetics Tuebingen Variant Classification Criteria Version 2. Collection method: clinical testing. Allele origin: germline. Affected: yes. Observed: 9 variant alleles.
Comment: COL3A1: BP4, BP7

Labcorp Genetics (formerly Invitae), Labcorp
Classification: Likely benign for Ehlers-Danlos syndrome, type 4. Last evaluated: 2026-01-21. Review status: criteria provided, single submitter. Criteria: Invitae Variant Classification Sherloc (09022015). Collection method: clinical testing. Allele origin: germline.

Women's Health and Genetics/Laboratory Corporation of America, LabCorp
Classification: Likely benign. Last evaluated: 2025-07-30. Review status: criteria provided, single submitter. Criteria: LabCorp Variant Classification Summary - May 2015. Collection method: clinical testing. Allele origin: germline.
Comment: Variant summary: COL3A1 c.1188C>T alters a conserved nucleotide resulting in a synonymous change. Consensus agreement among computation tools predict no significant impact on normal splicing. However, these predictions have yet to be confirmed by functional studies. The variant allele was found at a frequency of 0.00011 in 251414 control chromosomes. This frequency is not significantly higher than estimated for a pathogenic variant in COL3A1 causing Polymicrogyria with or without vascular-type Ehlers-Danlos syndrome, allowing no conclusion about variant significance. To our knowledge, no occurrence of c.1188C>T in individuals affected with Polymicrogyria with or without vascular-type Ehlers-Danlos syndrome and no experimental evidence demonstrating its impact on protein function have been reported. ClinVar contains an entry for this variant (Variation ID: 450335). Based on the evidence outlined above, the variant was classified as likely benign.

Blueprint Genetics
Classification: Likely benign. Last evaluated: 2024-10-08. Review status: criteria provided, single submitter. Criteria: ACMG Guidelines, 2015. Collection method: clinical testing. Allele origin: germline.

All of Us Research Program, National Institutes of Health
Classification: Likely benign for Ehlers-Danlos syndrome, type 4. Last evaluated: 2024-02-05. Review status: criteria provided, single submitter. Criteria: ACMG Guidelines, 2015. Collection method: clinical testing. Allele origin: germline. Inheritance: Autosomal dominant inheritance. Observed: 19 variant alleles, 19 heterozygotes.
Comment: This study involves interpretation of variants in research participants for the purpose of population health screening. Participant phenotype was not available at the time of variant classification. Additional details can be found in publication PMID: 35346344, PMCID: PMC8962531

GeneDx
Classification: Likely benign. Last evaluated: 2020-09-01. Review status: criteria provided, single submitter. Criteria: GeneDx Variant Classification Process June 2021. Collection method: clinical testing. Allele origin: germline. Affected: yes.

CHEO Genetics Diagnostic Laboratory, Children's Hospital of Eastern Ontario
Classification: Likely benign for Familial thoracic aortic aneurysm and aortic dissection. Last evaluated: 2020-07-28. Review status: criteria provided, single submitter. Criteria: ACMG Guidelines, 2015. Collection method: clinical testing. Allele origin: germline.

Center for Genomics, Ann and Robert H. Lurie Children's Hospital of Chicago
Classification: Uncertain significance for Ehlers-Danlos syndrome, type 4. Last evaluated: 2020-06-04. Review status: criteria provided, single submitter. Criteria: ACMG Guidelines, 2015. Collection method: clinical testing. Allele origin: germline.
Comment: COL3A1 NM_ 000090.3 exon 17 p.Gly396= (c.1188C>T): This variant has not been reported in the literature but is present in 0.03% (12/30612) of South Asian alleles in the Genome Aggregation Database. This variant is present in ClinVar (Variation ID:450335). Evolutionary conservation and computational predictive tools for this variant are limited or unavailable. Splice prediction tools suggest that this variant may affect splicing by creating a cryptic donor splice site. However, further studies are needed to understand its impact. In summary, data on this variant is insufficient for disease classification. Therefore, the clinical significance of this variant is uncertain.

Color Diagnostics, LLC DBA Color Health
Classification: Likely benign for Familial thoracic aortic aneurysm and aortic dissection. Last evaluated: 2018-08-02. Review status: criteria provided, single submitter. Criteria: ACMG Guidelines, 2015. Collection method: clinical testing. Allele origin: germline.

ARUP Laboratories, Molecular Genetics and Genomics, ARUP Laboratories
Classification: Uncertain significance. Last evaluated: 2018-02-20. Review status: criteria provided, single submitter. Criteria: ARUP Molecular Germline Variant Investigation Process. Collection method: clinical testing. Allele origin: germline.
Comment: The COL3A1 c.1188C>T; p.Gly396Gly variant (rs745743884; ClinVar variant ID 450335), to our knowledge, is not reported in the medical literature, gene specific variation databases, nor has it been previously identified by our laboratory. This synonymous variant is in a weakly conserved nucleotide, but computational analyses predict that this variant may impact splicing by creating a novel cryptic donor site (Alamut v.2.10); however, no functional studies have been performed to confirm or refute this prediction. This variant is listed in the genome Aggregation Database (gnomAD) with a South Asian population frequency of 0.04% (identified on 12 out of 30,780 chromosomes). Based on the available information, the clinical significance of the c.1188C>T cannot be determined with certainty.

Ambry Genetics
Classification: Likely benign for Familial thoracic aortic aneurysm and aortic dissection. Last evaluated: 2017-03-02. Review status: criteria provided, single submitter. Criteria: Ambry Variant Classification Scheme 2023. Collection method: clinical testing. Allele origin: germline.

Center for Genomics, Ann and Robert H. Lurie Children's Hospital of Chicago
Classification: Uncertain significance for Ehlers-Danlos syndrome, type 4; Polymicrogyria with or without vascular-type Ehlers-Danlos syndrome. Review status: criteria provided, single submitter. Criteria: ACMG Guidelines, 2015. Collection method: clinical testing. Allele origin: germline.
Comment: the same text as in the submission from Center for Genomics, Ann and Robert H. Lurie Children's Hospital of Chicago above.

PreventionGenetics, part of Exact Sciences
Classification: Likely benign for COL3A1-related condition. Last evaluated: 2024-04-04. Review status: no assertion criteria provided. Collection method: clinical testing. Allele origin: germline. Not counted in ClinVar's aggregate classification.
Comment: This variant is classified as likely benign based on ACMG/AMP sequence variant interpretation guidelines (Richards et al. 2015 PMID: 25741868, with internal and published modifications).

Clinical Genetics DNA and cytogenetics Diagnostics Lab, Erasmus MC, Erasmus Medical Center
Classification: Likely benign. Review status: no assertion criteria provided. Collection method: clinical testing. Allele origin: germline. Affected: yes. Study: VKGL Data-share Consensus. Not counted in ClinVar's aggregate classification.

Dr. Peter K. Rogan Lab, Western University
No classification provided (evidence only). Condition: Lung cancer. Review status: no classification provided. Collection method: in vitro. Allele origin: not applicable. Functional consequence: retained intron. Not counted in ClinVar's aggregate classification.

Dr. Peter K. Rogan Lab, Western University
No classification provided (evidence only). Condition: Melanoma. Review status: no classification provided. Collection method: in vitro. Allele origin: not applicable. Functional consequence: retained intron. Not counted in ClinVar's aggregate classification.

Genome Diagnostics Laboratory, University Medical Center Utrecht
Classification: Likely benign. Review status: no assertion criteria provided. Collection method: clinical testing. Allele origin: germline. Affected: yes. Study: VKGL Data-share Consensus. Not counted in ClinVar's aggregate classification.

NM_000090.4(COL3A1):c.1188C>T (p.Gly396=)

Gene: COL3A1 (collagen type III alpha 1 chain; plus strand). Cytogenetic location: 2q32.2.
Variant type: single nucleotide variant.
Coding change: c.1188C>T on transcript NM_000090.4 (MANE Select); coding-DNA position 1188, C replaced by T.
Protein change: p.Gly396=; no amino-acid change (glycine 396 retained).
Molecular consequence: synonymous variant.
Genome position (GRCh38, 1-based): chr2:188,994,076, C>T. VCF-style: chr2-188994076-C-T. GRCh37 (hg19) VCF-style: chr2-189858802-C-T.
Identifiers: ClinVar variation 450335 (VCV000450335.107), dbSNP rs745743884, ClinGen allele CA073901.